The following is an entry in ClinVar:

NM_001035.3(RYR2):c.726C>T (p.Asp242=)

Gene: RYR2 (ryanodine receptor 2; plus strand). Cytogenetic location: 1q43.
Variant type: single nucleotide variant.
Coding change: c.726C>T on transcript NM_001035.3 (MANE Select); coding-DNA position 726, C replaced by T.
Protein change: p.Asp242=; no amino-acid change (aspartic acid 242 retained).
Molecular consequence: synonymous variant.
Genome position (GRCh38, 1-based): chr1:237,388,136, C>T. VCF-style: chr1-237388136-C-T. GRCh37 (hg19) VCF-style: chr1-237551436-C-T.
Other names: p.D242D:GAC>GAT; p.Asp242=.
Identifiers: ClinVar variation 138935 (VCV000138935.32), dbSNP rs76380341, ClinGen allele CA010657.

ClinVar aggregate classification (germline): Benign/Likely benign. Review status: criteria provided, multiple submitters, no conflicts (2 of 4 stars). 13 submissions from 13 submitters: Benign (7); Likely benign (4). 2 of the submissions do not count toward it. Last evaluated 2026-03-27.

Conditions:
Cardiovascular phenotype. Identifiers: MedGen CN230736.
Catecholaminergic polymorphic ventricular tachycardia (CVPT). Also called: Catecholamine-induced polymorphic ventricular tachycardia. Identifiers: Orphanet 3286, MedGen C5574922, MONDO:0017990.
Cardiomyopathy (CMYO). Also called: Cardiomyopathies. Identifiers: Orphanet 167848, MedGen C0878544, MONDO:0004994, HP:0001638. Inheritance: Various modes of inheritance.
Catecholaminergic polymorphic ventricular tachycardia 1. Also called: RYR2-Related Catecholaminergic Polymorphic Ventricular Tachycardia; VENTRICULAR TACHYCARDIA, STRESS-INDUCED POLYMORPHIC 1; VENTRICULAR TACHYCARDIA, CATECHOLAMINERGIC POLYMORPHIC, 1, WITH OR WITHOUT ATRIAL DYSFUNCTION AND/OR DILATED CARDIOMYOPATHY. Identifiers: Orphanet 3286, MedGen C1631597, MONDO:0011484, OMIM 604772.

Allele frequency attached by ClinVar (database versions not stated): gnomAD exomes 0.00013 and 0.00028; ExAC 0.00033; ESP Exome Variant Server 0.00080; gnomAD 0.00109 and 0.00119; TOPMed 0.00112; 1000 Genomes Project 0.00120; 1000 Genomes Project 30x 0.00125.
gnomAD v4.1: 362 of 1,613,906 alleles (0.022%); highest among the groups gnomAD compares: African/African-American, 0.36%; 3 homozygotes.

Submissions (13):

Molecular Diagnostic Laboratory for Inherited Cardiovascular Disease, Montreal Heart Institute
Classification: Benign. Last evaluated: 2026-03-27. Review status: criteria provided, single submitter. Criteria: ACMG Guidelines, 2015. Collection method: clinical testing. Allele origin: germline. Affected: no.
Comment: BS1;BP7

Labcorp Genetics (formerly Invitae), Labcorp
Classification: Benign for Catecholaminergic polymorphic ventricular tachycardia 1. Last evaluated: 2026-01-29. Review status: criteria provided, single submitter. Criteria: Invitae Variant Classification Sherloc (09022015). Collection method: clinical testing. Allele origin: germline.

Mayo Clinic Laboratories, Mayo Clinic
Classification: Likely benign. Last evaluated: 2025-02-13. Review status: criteria provided, single submitter. Criteria: ACMG Guidelines, 2015. Collection method: clinical testing. Allele origin: germline. Observed: 3 variant alleles.
Comment: BS1, BP4, BP7

Blueprint Genetics
Classification: Likely benign. Last evaluated: 2024-11-13. Review status: criteria provided, single submitter. Criteria: ACMG Guidelines, 2015. Collection method: clinical testing. Allele origin: germline.

ARUP Laboratories, Molecular Genetics and Genomics, ARUP Laboratories
Classification: Likely benign. Last evaluated: 2024-02-08. Review status: criteria provided, single submitter. Criteria: ARUP Molecular Germline Variant Investigation Process 2024. Collection method: clinical testing. Allele origin: germline.

All of Us Research Program, National Institutes of Health
Classification: Benign for Catecholaminergic polymorphic ventricular tachycardia. Last evaluated: 2024-02-05. Review status: criteria provided, single submitter. Criteria: ACMG Guidelines, 2015. Collection method: clinical testing. Allele origin: germline. Inheritance: Autosomal dominant inheritance. Observed: 58 variant alleles, 58 heterozygotes.
Comment: This study involves interpretation of variants in research participants for the purpose of population health screening. Participant phenotype was not available at the time of variant classification. Additional details can be found in publication PMID: 35346344, PMCID: PMC8962531

Color Diagnostics, LLC DBA Color Health
Classification: Benign for Cardiomyopathy. Last evaluated: 2018-08-06. Review status: criteria provided, single submitter. Criteria: ACMG Guidelines, 2015. Collection method: clinical testing. Allele origin: germline.

Ambry Genetics
Classification: Likely benign for Cardiovascular phenotype. Last evaluated: 2017-06-16. Review status: criteria provided, single submitter. Criteria: Ambry Variant Classification Scheme 2023. Collection method: clinical testing. Allele origin: germline.

CHEO Genetics Diagnostic Laboratory, Children's Hospital of Eastern Ontario
Classification: Benign for Cardiomyopathy. Last evaluated: 2015-09-21. Review status: criteria provided, single submitter. Criteria: ACMG Guidelines, 2015. Collection method: clinical testing. Allele origin: germline. Study: Canadian Open Genetics Repository.

Laboratory for Molecular Medicine, Mass General Brigham Personalized Medicine
Classification: Benign. Last evaluated: 2015-04-13. Review status: criteria provided, single submitter. Criteria: LMM Criteria. Collection method: clinical testing. Allele origin: germline. Observed: 1 variant allele.
Comment: p.Asp242Asp in exon 10 of RYR2: This variant is not expected to have clinical si gnificance because it does not alter an amino acid residue, is not located withi n the splice consensus sequence, and has been identified in 0.3% (33/9644) of Af rican chromosomes by the Exome Aggregation Consortium (ExAC; dbSNP rs76380341).

GeneDx
Classification: Benign. Last evaluated: 2013-12-20. Review status: criteria provided, single submitter. Criteria: GeneDx Variant Classification (06012015). Collection method: clinical testing. Allele origin: germline. Affected: yes.
Comment: This variant is considered likely benign or benign based on one or more of the following criteria: it is a conservative change, it occurs at a poorly conserved position in the protein, it is predicted to be benign by multiple in silico algorithms, and/or has population frequency not consistent with disease.

Clinical Genetics DNA and cytogenetics Diagnostics Lab, Erasmus MC, Erasmus Medical Center
Classification: Likely benign. Review status: no assertion criteria provided. Collection method: clinical testing. Allele origin: germline. Affected: yes. Study: VKGL Data-share Consensus. Not counted in ClinVar's aggregate classification.

Clinical Genetics, Academic Medical Center
Classification: Benign. Review status: no assertion criteria provided. Collection method: clinical testing. Allele origin: germline. Affected: yes. Study: VKGL Data-share Consensus. Not counted in ClinVar's aggregate classification.